The following is an entry in ClinVar:

NM_004655.4(AXIN2):c.804C>T (p.Asp268=)

Gene: AXIN2 (axin 2; minus strand). Cytogenetic location: 17q24.1.
Variant type: single nucleotide variant.
Coding change: c.804C>T on transcript NM_004655.4 (MANE Select); coding-DNA position 804, C replaced by T.
Protein change: p.Asp268=; no amino-acid change (aspartic acid 268 retained).
Molecular consequence: synonymous variant.
Genome position (GRCh38, 1-based): chr17:65,557,817, G>A on the plus strand (C>T on the coding strand, the complement: AXIN2 is on the minus strand). VCF-style: chr17-65557817-G-A. GRCh37 (hg19) VCF-style: chr17-63553935-G-A.
Other names: c.804C>T, p.Asp268= (NM_001363813.1).
Identifiers: ClinVar variation 1761794 (VCV001761794.6), dbSNP rs774218241, ClinGen allele CA8718985.

ClinVar aggregate classification (germline): Benign/Likely benign. Review status: criteria provided, multiple submitters, no conflicts (2 of 4 stars). 3 submissions from 3 submitters: Benign (1); Likely benign (2). Last evaluated 2024-06-27.

Conditions:
Hereditary cancer-predisposing syndrome. Also called: Neoplastic Syndromes, Hereditary; Tumor predisposition; Hereditary Cancer Syndrome; Hereditary neoplastic syndrome. Identifiers: Orphanet 140162, MedGen C0027672, MeSH D009386, MONDO:0015356.
Oligodontia-cancer predisposition syndrome. Also called: TOOTH AGENESIS-COLORECTAL CANCER SYNDROME. Identifiers: Orphanet 300576, MedGen C1837750, MONDO:0012075, OMIM 608615. Disease mechanism: loss of function.

Allele frequency attached by ClinVar (database versions not stated): TOPMed below 0.00001; gnomAD 0.00001; gnomAD exomes 0.00001; ExAC 0.00004.
gnomAD v4.1: 11 of 1,614,086 alleles (0.00068%); highest among the groups gnomAD compares: South Asian, 0.0011%; no homozygotes.

Submissions (3):

Myriad Genetics, Inc.
Classification: Benign for Oligodontia-cancer predisposition syndrome. Last evaluated: 2024-06-27. Review status: criteria provided, single submitter. Criteria: Myriad Autosomal Dominant, Autosomal Recessive and X-Linked Classification Criteria (2023). Collection method: clinical testing. Allele origin: unknown.
Comment: This variant is considered benign. This variant is a silent/synonymous amino acid change and it is not expected to impact splicing.

Labcorp Genetics (formerly Invitae), Labcorp
Classification: Likely benign for Oligodontia-cancer predisposition syndrome. Last evaluated: 2022-11-12. Review status: criteria provided, single submitter. Criteria: Invitae Variant Classification Sherloc (09022015). Collection method: clinical testing. Allele origin: germline.

Ambry Genetics
Classification: Likely benign for Hereditary cancer-predisposing syndrome. Last evaluated: 2022-02-10. Review status: criteria provided, single submitter. Criteria: Ambry Variant Classification Scheme 2023. Collection method: clinical testing. Allele origin: germline.